The following is an entry in ClinVar:

ClinVar aggregate classification (germline): Uncertain significance (1 of 4 stars; one submission).

gnomAD v4.1: 4 of 1,613,996 alleles (0.00025%); highest among the groups gnomAD compares: Non-Finnish European, 0.00034%; no homozygotes.

Submission:

Kariminejad - Najmabadi Pathology & Genetics Center
Classification: Uncertain significance. Last evaluated: 2022-11-13. Review status: criteria provided, single submitter. Criteria: ACMG Guidelines, 2015. Collection method: clinical testing. Allele origin: germline. Inheritance: Autosomal dominant inheritance. Affected: yes.
Comment: PM2, PP3

NM_001372574.1(ATXN2):c.1658G>T (p.Gly553Val)

Gene: ATXN2 (ataxin 2; minus strand). Cytogenetic location: 12q24.12.
Variant type: single nucleotide variant.
Coding change: c.1658G>T on transcript NM_001372574.1 (MANE Select); coding-DNA position 1658, G replaced by T.
Protein change: p.Gly553Val; replaces glycine 553 with valine.
Molecular consequence: missense variant. On other transcripts: non-coding transcript variant (1).
Genome position (GRCh38, 1-based): chr12:111,510,483, C>A on the plus strand (G>T on the coding strand, the complement: ATXN2 is on the minus strand). VCF-style: chr12-111510483-C-A. GRCh37 (hg19) VCF-style: chr12-111948287-C-A.
Other names: c.1343G>T, p.Gly448Val (NM_001310121.1); c.1271G>T, p.Gly424Val (NM_001310123.1); c.1658G>T, p.Gly553Val (NM_002973.4); short protein forms G424V, G448V, G553V.
Identifiers: ClinVar variation 3896783 (VCV003896783.1).